The following is an entry in ClinVar:

ClinVar aggregate classification (germline): Uncertain significance (1 of 4 stars; one submission).

Submission:

Labcorp Genetics (formerly Invitae), Labcorp
Classification: Uncertain significance. Last evaluated: 2023-06-25. Review status: criteria provided, single submitter. Criteria: Invitae Variant Classification Sherloc (09022015). Collection method: clinical testing. Allele origin: germline.
Comment: In summary, the available evidence is currently insufficient to determine the role of this variant in disease. Therefore, it has been classified as a Variant of Uncertain Significance. This variant has not been reported in the literature in individuals affected with TUBB2A-related conditions. This variant results in a copy number gain of the genomic region encompassing exon(s) 1 of the TUBB2A gene. This region includes the initiator codon of the gene. This copy number gain extends beyond the assayed region for this gene and therefore may encompass additional genes. As the precise location of this event is unknown, it may be in tandem or it may be located elsewhere in the genome.

NC_000006.11:g.(?_3157621)_(3157697_?)dup

Gene: TUBB2A (tubulin beta 2A class IIa; minus strand). Cytogenetic location: 6p25.2.
Variant type: Duplication.
Identifiers: ClinVar variation 1410072 (VCV001410072.5).